The following is an entry in ClinVar:

NM_022455.5(NSD1):c.4525A>G (p.Thr1509Ala)

Gene: NSD1 (nuclear receptor binding SET domain protein 1; plus strand). Cytogenetic location: 5q35.3.
Variant type: single nucleotide variant.
Coding change: c.4525A>G on transcript NM_022455.5 (MANE Select); coding-DNA position 4525, A replaced by G.
Protein change: p.Thr1509Ala; replaces threonine 1509 with alanine.
Molecular consequence: missense variant.
Genome position (GRCh38, 1-based): chr5:177,248,208, A>G. VCF-style: chr5-177248208-A-G. GRCh37 (hg19) VCF-style: chr5-176675209-A-G.
Other names: c.3652A>G, p.Thr1218Ala (NM_001409309.1, NM_172349.5, NM_001365684.2 and 3 more transcripts); c.4525A>G, p.Thr1509Ala (NM_001409301.1, NM_001409302.1, NM_001409303.1); c.4105A>G, p.Thr1369Ala (NM_001409304.1); c.3772A>G, p.Thr1258Ala (NM_001409305.1); short protein forms T1218A, T1258A, T1369A, T1509A.
Identifiers: ClinVar variation 4085268 (VCV004085268.8).

ClinVar aggregate classification (germline): Uncertain significance (1 of 4 stars; one submission).

Submission:

CeGaT Center for Human Genetics Tuebingen
Classification: Uncertain significance. Last evaluated: 2025-07-01. Review status: criteria provided, single submitter. Criteria: CeGaT Center For Human Genetics Tuebingen Variant Classification Criteria Version 2. Collection method: clinical testing. Allele origin: germline. Affected: yes. Observed: 1 variant allele.
Comment: NSD1: PM2, BP1